The following is an entry in ClinVar:

NM_001100913.3(PACS2):c.2630A>G (p.Lys877Arg)

Gene: PACS2 (phosphofurin acidic cluster sorting protein 2; plus strand). Cytogenetic location: 14q32.33.
Variant type: single nucleotide variant.
Coding change: c.2630A>G on transcript NM_001100913.3 (MANE Select); coding-DNA position 2630, A replaced by G.
Protein change: p.Lys877Arg; replaces lysine 877 with arginine.
Molecular consequence: missense variant.
Genome position (GRCh38, 1-based): chr14:105,394,587, A>G. VCF-style: chr14-105394587-A-G. GRCh37 (hg19) VCF-style: chr14-105860924-A-G.
Other names: c.2360A>G, p.Lys787Arg (NM_001243127.3); c.2585A>G, p.Lys862Arg (NM_015197.4); c.2630A>G (NM_001100913.2); short protein forms K787R, K862R, K877R.
Identifiers: ClinVar variation 1607692 (VCV001607692.9), dbSNP rs782685668, ClinGen allele CA7389360.
Genomic context (GRCh38, chr14:105,394,587, plus strand): 5'-AGGCGGTCAGGCAGCCCTCTCCCACAGTCCTCATCGACGGCGTGGAGTGCAGCGACGTCA[A>G]GTTCTTCCAGCTGGCCGCGCAGTGGTCCTCGCACGTGAAGCACTTCCCCATCTGCATCTT-3'
Protein context (NP_001094383.2, residues 867-887): LIDGVECSDV[Lys877Arg]FFQLAAQWSS

ClinVar aggregate classification (germline): Conflicting classifications of pathogenicity. Review status: criteria provided, conflicting classifications (1 of 4 stars). 2 submissions from 2 submitters: Uncertain significance (1); Likely benign (1). Last evaluated 2026-02-02.

Allele frequency attached by ClinVar (database versions not stated): gnomAD exomes 0.00001; ExAC 0.00001.
gnomAD v4.1: 9 of 1,613,332 alleles (0.00056%); highest among the groups gnomAD compares: African/African-American, 0.0013%; no homozygotes.

Submissions (2):

Labcorp Genetics (formerly Invitae), Labcorp
Classification: Likely benign. Last evaluated: 2026-02-02. Review status: criteria provided, single submitter. Criteria: Invitae Variant Classification Sherloc (09022015). Collection method: clinical testing. Allele origin: germline.

Women's Health and Genetics/Laboratory Corporation of America, LabCorp
Classification: Uncertain significance. Last evaluated: 2023-07-12. Review status: criteria provided, single submitter. Criteria: LabCorp Variant Classification Summary - May 2015. Collection method: clinical testing. Allele origin: germline.
Comment: Variant summary: PACS2 c.2630A>G (p.Lys877Arg) results in a conservative amino acid change in the encoded protein sequence. Three of five in-silico tools predict a damaging effect of the variant on protein function. The variant allele was found at a frequency of 8e-06 in 249716 control chromosomes (gnomAD). The available data on variant occurrences in the general population are insufficient to allow any conclusion about variant significance. To our knowledge, no occurrence of c.2630A>G in individuals affected with Developmental And Epileptic Encephalopathy, 66 and no experimental evidence demonstrating its impact on protein function have been reported. One submitter has cited clinical-significance assessments for this variant to ClinVar after 2014 and has classified the variant as likely benign. Based on the evidence outlined above, the variant was classified as uncertain significance.